The following is an entry in ClinVar:

ClinVar aggregate classification (germline): Uncertain significance (1 of 4 stars; one submission).

Allele frequency attached by ClinVar (database versions not stated): gnomAD exomes below 0.00001; gnomAD 0.00001; TOPMed 0.00001.
gnomAD v4.1: 4 of 1,612,604 alleles (0.00025%); highest among the groups gnomAD compares: African/African-American, 0.0053%; no homozygotes.

Submission:

Labcorp Genetics (formerly Invitae), Labcorp
Classification: Uncertain significance. Last evaluated: 2023-07-19. Review status: criteria provided, single submitter. Criteria: Invitae Variant Classification Sherloc (09022015). Collection method: clinical testing. Allele origin: germline.
Comment: In summary, the available evidence is currently insufficient to determine the role of this variant in disease. Therefore, it has been classified as a Variant of Uncertain Significance. An algorithm developed to predict the effect of missense changes on protein structure and function (PolyPhen-2) suggests that this variant is likely to be disruptive. This variant has not been reported in the literature in individuals affected with ITGAM-related conditions. This variant is present in population databases (no rsID available, gnomAD 0.007%). This sequence change replaces glycine, which is neutral and non-polar, with glutamic acid, which is acidic and polar, at codon 478 of the ITGAM protein (p.Gly478Glu).

NM_000632.4(ITGAM):c.1433G>A (p.Gly478Glu)

Gene: ITGAM (integrin subunit alpha M; plus strand). Cytogenetic location: 16p11.2.
Variant type: single nucleotide variant.
Coding change: c.1433G>A on transcript NM_000632.4 (MANE Select); coding-DNA position 1433, G replaced by A.
Protein change: p.Gly478Glu; replaces glycine 478 with glutamic acid.
Molecular consequence: missense variant.
Genome position (GRCh38, 1-based): chr16:31,297,590, G>A. VCF-style: chr16-31297590-G-A. GRCh37 (hg19) VCF-style: chr16-31308911-G-A.
Other names: c.1433G>A, p.Gly478Glu (NM_001145808.2); short protein forms G478E.
Identifiers: ClinVar variation 3005343 (VCV003005343.3), dbSNP rs1432685304, ClinGen allele CA395669421.